The following is an entry in ClinVar:

ClinVar aggregate classification (germline): Pathogenic (1 of 4 stars; one submission).

Conditions:
Duchenne muscular dystrophy (DMD). Also called: MUSCULAR DYSTROPHY, PSEUDOHYPERTROPHIC PROGRESSIVE, DUCHENNE TYPE; Duchenne Muscular Dystrophy (DMD). Identifiers: Orphanet 98896, MedGen C0013264, MONDO:0010679, OMIM 310200.

Submission:

Labcorp Genetics (formerly Invitae), Labcorp
Classification: Pathogenic for Duchenne muscular dystrophy. Last evaluated: 2023-10-23. Review status: criteria provided, single submitter. Criteria: Invitae Variant Classification Sherloc (09022015). Collection method: clinical testing. Allele origin: unknown.
Comment: This variant is a gross deletion of the genomic region encompassing exon(s) 8-32 of the DMD gene. This deletion is out-of-frame, and is expected to create a premature termination codon and result in an absent or disrupted protein product. Loss-of-function variants in DMD are known to be pathogenic (PMID: 16770791, 25007885). A similar copy number variant has been observed in individual(s) with DMD-related conditions (PMID: 17561468). For these reasons, this variant has been classified as Pathogenic.

Literature cited by the submitters: PubMed 16770791; PubMed 25007885; PubMed 17561468.

NC_000023.10:g.(?_32407598)_(32756908_?)del

Gene: DMD (dystrophin; minus strand). Cytogenetic location: Xp21.1.
Variant type: Deletion.
Identifiers: ClinVar variation 3242613 (VCV003242613.1).